The following is an entry in ClinVar:

NM_015311.3(OBSL1):c.3352G>A (p.Gly1118Arg)

Gene: OBSL1 (obscurin like cytoskeletal adaptor 1; minus strand). Cytogenetic location: 2q35.
Variant type: single nucleotide variant.
Coding change: c.3352G>A on transcript NM_015311.3 (MANE Select); coding-DNA position 3352, G replaced by A.
Protein change: p.Gly1118Arg; replaces glycine 1118 with arginine.
Molecular consequence: missense variant.
Genome position (GRCh38, 1-based): chr2:219,558,334, C>T on the plus strand (G>A on the coding strand, the complement: OBSL1 is on the minus strand). VCF-style: chr2-219558334-C-T. GRCh37 (hg19) VCF-style: chr2-220423056-C-T.
Other names: c.3352G>A, p.Gly1118Arg (NM_001173431.2); c.3352G>A (NM_015311.2); short protein forms G1118R.
Identifiers: ClinVar variation 2162708 (VCV002162708.2), dbSNP rs756496507, ClinGen allele CA2130891.

ClinVar aggregate classification (germline): Uncertain significance. Review status: criteria provided, multiple submitters, no conflicts (2 of 4 stars). 2 submissions from 2 submitters: Uncertain significance (2). Last evaluated 2022-03-11.

Conditions:
Inborn genetic diseases. Identifiers: MedGen C0950123, MeSH D030342.

Allele frequency attached by ClinVar (database versions not stated): ExAC 0.00001; gnomAD 0.00001; TOPMed 0.00003.
gnomAD v4.1: 12 of 1,612,524 alleles (0.00074%); highest among the groups gnomAD compares: African/African-American, 0.004%; no homozygotes.

Submissions (2):

Labcorp Genetics (formerly Invitae), Labcorp
Classification: Uncertain significance. Last evaluated: 2022-03-11. Review status: criteria provided, single submitter. Criteria: Invitae Variant Classification Sherloc (09022015). Collection method: clinical testing. Allele origin: germline.
Comment: This sequence change replaces glycine, which is neutral and non-polar, with arginine, which is basic and polar, at codon 1118 of the OBSL1 protein (p.Gly1118Arg). This variant is present in population databases (rs756496507, gnomAD 0.005%). This variant has not been reported in the literature in individuals affected with OBSL1-related conditions. Algorithms developed to predict the effect of missense changes on protein structure and function are either unavailable or do not agree on the potential impact of this missense change (SIFT: "Deleterious"; PolyPhen-2: "Probably Damaging"; Align-GVGD: "Class C15"). In summary, the available evidence is currently insufficient to determine the role of this variant in disease. Therefore, it has been classified as a Variant of Uncertain Significance.

Ambry Genetics
Classification: Uncertain significance for Inborn genetic diseases. Last evaluated: 2021-12-14. Review status: criteria provided, single submitter. Criteria: Ambry Variant Classification Scheme 2023. Collection method: clinical testing. Allele origin: germline.